The following is an entry in ClinVar:

ClinVar aggregate classification (germline): Likely pathogenic (1 of 4 stars; one submission).

Conditions:
Deafness-lymphedema-leukemia syndrome. Also called: Emberger syndrome; Lymphedema, primary, with myelodysplasia. Identifiers: Orphanet 3226, MedGen C3279664, MONDO:0013540, OMIM 614038.
GATA2 deficiency with susceptibility to MDS/AML. Identifiers: MedGen CN300066, MONDO:0042982.

Submission:

Molecular Pathology Research Laboratory, SA Pathology
Classification: Likely pathogenic for GATA2 deficiency with susceptibility to MDS/AML; Deafness-lymphedema-leukemia syndrome. Last evaluated: 2021-07-06. Review status: criteria provided, single submitter. Criteria: ACMG Guidelines, 2015. Collection method: curation. Allele origin: de novo. Inheritance: Autosomal dominant inheritance. Affected: yes. Observed: 1 variant allele.
Comment: PS2, PS4_Supporting, PM1, PM2, PM5, PP3

Literature cited by the submitters: PubMed 26702063.

NM_032638.5(GATA2):c.1046G>T (p.Cys349Phe)

Gene: GATA2 (GATA binding protein 2; minus strand). Cytogenetic location: 3q21.3.
Variant type: single nucleotide variant.
Coding change: c.1046G>T on transcript NM_032638.5 (MANE Select); coding-DNA position 1046, G replaced by T.
Protein change: p.Cys349Phe; replaces cysteine 349 with phenylalanine.
Molecular consequence: missense variant. On other transcripts: intron variant (1).
Genome position (GRCh38, 1-based): chr3:128,481,916, C>A on the plus strand (G>T on the coding strand, the complement: GATA2 is on the minus strand). VCF-style: chr3-128481916-C-A. GRCh37 (hg19) VCF-style: chr3-128200759-C-A.
Other names: c.1046G>T, p.Cys349Phe (NM_001145661.2); c.1018-14G>T (NM_001145662.1); short protein forms C349F.
Identifiers: ClinVar variation 1184224 (VCV001184224.1), dbSNP rs1576745256, ClinGen allele CA354413654.